The following is an entry in ClinVar:

ClinVar aggregate classification (germline): Likely pathogenic (1 of 4 stars; one submission).

Conditions:
Tyrosinemia type I (TYRSN1). Also called: Tyrosinemia type 1; Fumarylacetoacetase deficiency; Deficiency of fumarylacetoacetase; HEPATORENAL TYROSINEMIA; FAH DEFICIENCY. Identifiers: Orphanet 882, MedGen C0268490, MONDO:0010161, OMIM 276700. Disease mechanism: loss of function.

Submission:

Myriad Genetics, Inc.
Classification: Likely pathogenic for Tyrosinemia type I. Last evaluated: 2025-11-19. Review status: criteria provided, single submitter. Criteria: Myriad Autosomal Dominant, Autosomal Recessive and X-Linked Classification Criteria (2023). Collection method: clinical testing. Allele origin: unknown.
Comment: NM_000137.2(FAH):c.913+1delG is a variant in a canonical splice site classified as likely pathogenic in the context of tyrosinemia type I. c.913+1delG has not been observed in cases with relevant disease. Relevant functional assessments of this variant are not available in the literature. c.913+1delG has not been observed in referenced population frequency databases. In summary, NM_000137.2(FAH):c.913+1delG is a variant in a canonical splice site in a gene where loss of function is a known mechanism of disease and is predicted to disrupt protein function. Please note: this variant was assessed in the context of healthy population screening.

NM_000137.4(FAH):c.913+1del

Gene: FAH (fumarylacetoacetate hydrolase; plus strand). Cytogenetic location: 15q25.1.
Variant type: Deletion.
Coding change: c.913+1del on transcript NM_000137.4 (MANE Select); the canonical splice donor site of the intron after coding-DNA position 913, one base deleted (G; older notation c.913+1delG).
Molecular consequence: splice donor variant.
Genome position (GRCh38, 1-based): chr15:80,175,092, G deleted; the last of 2 consecutive G bases (chr15:80,175,091-80,175,092); deleting either gives the same sequence. VCF-style (leftmost placement, unchanged base first): chr15-80175090-AG-A. GRCh37 (hg19) VCF-style: chr15-80467432-AG-A.
Other names: c.913+1del (NM_001374377.1, NM_001374380.1).
Identifiers: ClinVar variation 5004290 (VCV005004290.1).